The following is an entry in ClinVar:

NM_002693.3(POLG):c.3157A>G (p.Thr1053Ala)

Gene: POLG (DNA polymerase gamma, catalytic subunit; minus strand). Cytogenetic location: 15q26.1.
Variant type: single nucleotide variant.
Coding change: c.3157A>G on transcript NM_002693.3 (MANE Select); coding-DNA position 3157, A replaced by G.
Protein change: p.Thr1053Ala; replaces threonine 1053 with alanine.
Molecular consequence: missense variant.
Genome position (GRCh38, 1-based): chr15:89,319,047, T>C on the plus strand (A>G on the coding strand, the complement: POLG is on the minus strand). VCF-style: chr15-89319047-T-C. GRCh37 (hg19) VCF-style: chr15-89862278-T-C.
Other names: c.3157A>G, p.Thr1053Ala (NM_001126131.2); short protein forms T1053A.
Identifiers: ClinVar variation 937157 (VCV000937157.10), dbSNP rs2055353735, ClinGen allele CA393750970.

ClinVar aggregate classification (germline): Uncertain significance (1 of 4 stars; one submission).

Conditions:
Progressive sclerosing poliodystrophy (MTDPS4A). Also called: NEURONAL DEGENERATION OF CHILDHOOD WITH LIVER DISEASE, PROGRESSIVE; ALPERS PROGRESSIVE INFANTILE POLIODYSTROPHY; Mitochondrial DNA Depletion Syndrome 4A; Alpers-Huttenlocher Syndrome (AHS); Alpers Syndrome; ALPERS DIFFUSE DEGENERATION OF CEREBRAL GRAY MATTER WITH HEPATIC CIRRHOSIS. Identifiers: Orphanet 726, MedGen C0205710, MONDO:0008758, OMIM 203700.

Submission:

Labcorp Genetics (formerly Invitae), Labcorp
Classification: Uncertain significance for Progressive sclerosing poliodystrophy. Last evaluated: 2023-08-24. Review status: criteria provided, single submitter. Criteria: Invitae Variant Classification Sherloc (09022015). Collection method: clinical testing. Allele origin: germline.
Comment: In summary, the available evidence is currently insufficient to determine the role of this variant in disease. Therefore, it has been classified as a Variant of Uncertain Significance. Advanced modeling of protein sequence and biophysical properties (such as structural, functional, and spatial information, amino acid conservation, physicochemical variation, residue mobility, and thermodynamic stability) performed at Invitae indicates that this missense variant is expected to disrupt POLG protein function. ClinVar contains an entry for this variant (Variation ID: 937157). This variant has not been reported in the literature in individuals affected with POLG-related conditions. This variant is not present in population databases (gnomAD no frequency). This sequence change replaces threonine, which is neutral and polar, with alanine, which is neutral and non-polar, at codon 1053 of the POLG protein (p.Thr1053Ala).